The following is an entry in ClinVar:

NM_178862.3(STT3B):c.887C>G (p.Thr296Ser)

Gene: STT3B (STT3 oligosaccharyltransferase complex catalytic subunit B; plus strand). Cytogenetic location: 3p23.
Variant type: single nucleotide variant.
Coding change: c.887C>G on transcript NM_178862.3 (MANE Select); coding-DNA position 887, C replaced by G.
Protein change: p.Thr296Ser; replaces threonine 296 with serine.
Molecular consequence: missense variant.
Genome position (GRCh38, 1-based): chr3:31,615,114, C>G. VCF-style: chr3-31615114-C-G. GRCh37 (hg19) VCF-style: chr3-31656606-C-G.
Other names: short protein forms T296S.
Identifiers: ClinVar variation 1346179 (VCV001346179.8), dbSNP rs375479861, ClinGen allele CA2295063.

ClinVar aggregate classification (germline): Uncertain significance (1 of 4 stars; one submission).

Conditions:
STT3B-congenital disorder of glycosylation. Also called: Congenital disorder of glycosylation type 1x; CDG Ix; STT3B-CDG. Identifiers: Orphanet 370924, MedGen C2931007, MONDO:0014271, OMIM 615597.

Allele frequency attached by ClinVar (database versions not stated): gnomAD exomes below 0.00001; ExAC 0.00001; TOPMed 0.00001; ESP Exome Variant Server 0.00008.
gnomAD v4.1: 1 of 1,606,172 alleles (0.000062%); highest among the groups gnomAD compares: Non-Finnish European, 0.000085%; no homozygotes.

Submission:

Labcorp Genetics (formerly Invitae), Labcorp
Classification: Uncertain significance for STT3B-congenital disorder of glycosylation. Last evaluated: 2021-04-02. Review status: criteria provided, single submitter. Criteria: Invitae Variant Classification Sherloc (09022015). Collection method: clinical testing. Allele origin: germline.
Comment: Algorithms developed to predict the effect of missense changes on protein structure and function (SIFT, PolyPhen-2, Align-GVGD) all suggest that this variant is likely to be tolerated, but these predictions have not been confirmed by published functional studies and their clinical significance is uncertain. This sequence change replaces threonine with serine at codon 296 of the STT3B protein (p.Thr296Ser). The threonine residue is moderately conserved and there is a small physicochemical difference between threonine and serine. This variant is present in population databases (rs375479861, ExAC 0.002%). This variant has not been reported in the literature in individuals with STT3B-related conditions. In summary, the available evidence is currently insufficient to determine the role of this variant in disease. Therefore, it has been classified as a Variant of Uncertain Significance.